The following is an entry in ClinVar:

ClinVar aggregate classification (germline): Uncertain significance (1 of 4 stars; one submission).

Submission:

GeneDx
Classification: Uncertain significance. Last evaluated: 2021-11-03. Review status: criteria provided, single submitter. Criteria: GeneDx Variant Classification Process June 2021. Collection method: clinical testing. Allele origin: germline. Affected: yes.
Comment: In silico analysis supports that this missense variant has a deleterious effect on protein structure/function; In-silico analysis is inconclusive as to whether the variant alters gene splicing. In the absence of RNA/functional studies, the actual effect of this sequence change is unknown.; Not observed at significant frequency in large population cohorts (gnomAD); Has not been previously published as pathogenic or benign to our knowledge

NM_001104631.2(PDE4D):c.685G>T (p.Val229Phe)

Gene: PDE4D (phosphodiesterase 4D; minus strand). Cytogenetic location: 5q11.2.
Variant type: single nucleotide variant.
Coding change: c.685G>T on transcript NM_001104631.2 (MANE Select); coding-DNA position 685, G replaced by T.
Protein change: p.Val229Phe; replaces valine 229 with phenylalanine.
Molecular consequence: missense variant. On other transcripts: 5 prime UTR variant (1), intron variant (2).
Genome position (GRCh38, 1-based): chr5:59,185,262, C>A on the plus strand (G>T on the coding strand, the complement: PDE4D is on the minus strand). VCF-style: chr5-59185262-C-A. GRCh37 (hg19) VCF-style: chr5-58481088-C-A.
Other names: c.502G>T, p.Val168Phe (NM_001165899.2, NM_001364599.1, NM_001364600.2); c.493G>T, p.Val165Phe (NM_001197218.2, NM_001364602.2); c.319G>T, p.Val107Phe (NM_001197219.2); c.295G>T, p.Val99Phe (NM_001197220.2); c.472G>T, p.Val158Phe (NM_001349241.2); c.355G>T, p.Val119Phe (NM_001349242.2); c.-266G>T (NM_001364603.1); c.277G>T, p.Val93Phe (NM_006203.5); and 1 more; short protein forms V107F, V119F, V158F, V165F, V168F, V229F, V93F, V99F.
Identifiers: ClinVar variation 1683996 (VCV001683996.2), dbSNP rs1742629031, ClinGen allele CA359930453.
Genomic context (GRCh38, chr5:59,185,262, plus strand): 5'-GATCTTGCAAATTAGTTAATGCAGCAAAGTTGTTTCGTACAGTTCGCAGACTGGCCAAGA[C>A]CTACAACAAGAAAGGATTCTTGAAACTTCTTGAGCTAAGGCCATTTTAAATACACTTGAA-3'
Protein context (NP_001098101.1, residues 219-239): DDLIVTPFAQ[Val229Phe]LASLRTVRNN